The following is an entry in ClinVar:

NM_025114.4(CEP290):c.3461+1G>A

Gene: CEP290 (centrosomal protein 290; minus strand). Cytogenetic location: 12q21.32.
Variant type: single nucleotide variant.
Coding change: c.3461+1G>A on transcript NM_025114.4 (MANE Select); the canonical splice donor site of the intron after coding-DNA position 3461, G replaced by A.
Molecular consequence: splice donor variant.
Genome position (GRCh38, 1-based): chr12:88,092,680, C>T on the plus strand (G>A on the coding strand, the complement: CEP290 is on the minus strand). VCF-style: chr12-88092680-C-T. GRCh37 (hg19) VCF-style: chr12-88486457-C-T.
Identifiers: ClinVar variation 423910 (VCV000423910.11), dbSNP rs766952056, ClinGen allele CA16619601.

ClinVar aggregate classification (germline): Pathogenic/Likely pathogenic. Review status: criteria provided, multiple submitters, no conflicts (2 of 4 stars). 3 submissions from 3 submitters: Pathogenic (1); Likely pathogenic (2). Last evaluated 2023-04-10.

Conditions:
CEP290-related disorder. Also called: CEP290-related disorders; CEP290-related condition. Identifiers: MedGen CN239314.
Meckel-Gruber syndrome. Also called: Dysencephalia splachnocystica; DYSENCEPHALIA SPLANCHNOCYSTICA; GRUBER SYNDROME. Identifiers: Orphanet 564, MedGen C0265215, MONDO:0018921.
Joubert syndrome. Also called: Familial aplasia of the vermis; JOUBERT-BOLTSHAUSER SYNDROME. Identifiers: Orphanet 475, MedGen C5979921, MONDO:0018772.
Nephronophthisis. Also called: Juvenile Nephronophthisis. Identifiers: Orphanet 655, MedGen C0687120, MONDO:0019005, HP:0000090.

Submissions (3):

Blueprint Genetics
Classification: Likely pathogenic for CEP290-related disorders. Last evaluated: 2023-04-10. Review status: criteria provided, single submitter. Criteria: ACMG Guidelines, 2015. Collection method: clinical testing. Allele origin: germline. Affected: yes. Observed: 2 variant alleles.

Labcorp Genetics (formerly Invitae), Labcorp
Classification: Likely pathogenic for Joubert syndrome; Meckel-Gruber syndrome; Nephronophthisis. Last evaluated: 2022-04-11. Review status: criteria provided, single submitter. Criteria: Invitae Variant Classification Sherloc (09022015). Collection method: clinical testing. Allele origin: germline.
Comment: In summary, the currently available evidence indicates that the variant is pathogenic, but additional data are needed to prove that conclusively. Therefore, this variant has been classified as Likely Pathogenic. Algorithms developed to predict the effect of sequence changes on RNA splicing suggest that this variant may disrupt the consensus splice site. ClinVar contains an entry for this variant (Variation ID: 423910). This variant has not been reported in the literature in individuals affected with CEP290-related conditions. This variant is not present in population databases (gnomAD no frequency). This sequence change affects a donor splice site in intron 29 of the CEP290 gene. It is expected to disrupt RNA splicing. Variants that disrupt the donor or acceptor splice site typically lead to a loss of protein function (PMID: 16199547), and loss-of-function variants in CEP290 are known to be pathogenic (PMID: 16909394, 17345604, 20690115).

GeneDx
Classification: Pathogenic. Last evaluated: 2017-09-22. Review status: criteria provided, single submitter. Criteria: GeneDx Variant Classification (06012015). Collection method: clinical testing. Allele origin: germline. Affected: yes.
Comment: The c.3461+1 G>A splice site variant in the CEP290 gene destroys the canonical splice donor site in intron 29. It is predicted to cause abnormal gene splicing, either leading to an abnormal message that is subject to nonsense-mediated mRNA decay, or to an abnormal protein product if the message is used for protein translation. The c.3461+1 G>A variant is not observed in large population cohorts (Lek et al., 2016; 1000 Genomes Consortium et al., 2015; Exome Variant Server). Therefore, c.3461+1 G>A is considered to be a pathogenic variant.

Literature cited by the submitters: PubMed 16199547 (cited by Labcorp Genetics (formerly Invitae), Labcorp); PubMed 16909394 (cited by Labcorp Genetics (formerly Invitae), Labcorp); PubMed 17345604 (cited by Labcorp Genetics (formerly Invitae), Labcorp); PubMed 20690115 (cited by Labcorp Genetics (formerly Invitae), Labcorp).